The following is an entry in ClinVar:

NM_000091.5(COL4A3):c.824C>T (p.Pro275Leu)

Genes: COL4A3 (collagen type IV alpha 3 chain; plus strand), MFF-DT (MFF divergent transcript; minus strand). Cytogenetic location: 2q36.3.
Variant type: single nucleotide variant.
Coding change: c.824C>T on transcript NM_000091.5 (MANE Select); coding-DNA position 824, C replaced by T.
Protein change: p.Pro275Leu; replaces proline 275 with leucine.
Molecular consequence: missense variant.
Genome position (GRCh38, 1-based): chr2:227,254,170, C>T. VCF-style: chr2-227254170-C-T. GRCh37 (hg19) VCF-style: chr2-228118886-C-T.
Other names: short protein forms P275L.
Identifiers: ClinVar variation 2141978 (VCV002141978.7), dbSNP rs372626966, ClinGen allele CA2146375.

ClinVar aggregate classification (germline): Uncertain significance. Review status: criteria provided, multiple submitters, no conflicts (2 of 4 stars). 5 submissions from 5 submitters: Uncertain significance (5). Last evaluated 2026-04-01.

Conditions:
COL4A3-related disorder. Also called: COL4A3-related condition; COL4A3-Related Disorders.
Inborn genetic diseases. Identifiers: MedGen C0950123, MeSH D030342.

Allele frequency attached by ClinVar (database versions not stated): ExAC 0.00005; gnomAD 0.00006; gnomAD exomes 0.00007; TOPMed 0.00010; ESP Exome Variant Server 0.00017.
gnomAD v4.1: 109 of 1,613,036 alleles (0.0068%); highest among the groups gnomAD compares: Admixed American, 0.015%; no homozygotes.

Submissions (5):

GeneDx
Classification: Uncertain significance. Last evaluated: 2026-04-01. Review status: criteria provided, single submitter. Criteria: GeneDx Variant Classification Process June 2021. Collection method: clinical testing. Allele origin: germline.
Comment: In silico analysis suggests that this missense variant does not alter protein structure/function; Occurs in the triple helical domain at the X position in the canonical Gly-X-Y repeat; although this variant may have an effect on normal protein folding and function, missense substitution at the X position is not a common mechanism of disease; Has not been previously published as pathogenic or benign to our knowledge

PreventionGenetics, part of Exact Sciences
Classification: Uncertain significance for COL4A3-related condition. Last evaluated: 2025-08-02. Review status: criteria provided, single submitter. Criteria: ACMG Guidelines, 2015. Collection method: clinical testing. Allele origin: germline.
Comment: The COL4A3 c.824C>T variant is predicted to result in the amino acid substitution p.Pro275Leu. To our knowledge, this variant has not been reported in the literature. This variant is reported in 0.011% of alleles in individuals of European (Non-Finnish) descent in gnomAD. At this time, the clinical significance of this variant is uncertain due to the absence of conclusive functional and genetic evidence.

Genetic Services Laboratory, University of Chicago
Classification: Uncertain significance. Last evaluated: 2023-09-07. Review status: criteria provided, single submitter. Criteria: ACMG Guidelines, 2015. Collection method: clinical testing. Allele origin: germline. Affected: no.
Comment: DNA sequence analysis of the COL4A3 gene demonstrated a sequence change, c.824C>T, in exon 14 that results in an amino acid change, p.Pro275Leu. This sequence change does not appear to have been previously described in individuals with COL4A3-related disorders. This sequence change has been described in the gnomAD database with a frequency of 0.011% in the European (non-Finnish) subpopulation (dbSNP rs372626966). The p.Pro275Leu change affects a highly conserved amino acid residue located in a domain of the COL4A3 protein that is not known to be functional. In-silico pathogenicity prediction tools (SIFT, PolyPhen2, Align GVGD, REVEL) provide contradictory results for the p.Pro275Leu substitution. Due to insufficient evidences and the lack of functional studies, the clinical significance of the p.Pro275Leu change remains unknown at this time.

Labcorp Genetics (formerly Invitae), Labcorp
Classification: Uncertain significance. Last evaluated: 2022-10-19. Review status: criteria provided, single submitter. Criteria: Invitae Variant Classification Sherloc (09022015). Collection method: clinical testing. Allele origin: germline.
Comment: This sequence change replaces proline, which is neutral and non-polar, with leucine, which is neutral and non-polar, at codon 275 of the COL4A3 protein (p.Pro275Leu). This variant is present in population databases (rs372626966, gnomAD 0.01%). This variant has not been reported in the literature in individuals affected with COL4A3-related conditions. Advanced modeling of protein sequence and biophysical properties (such as structural, functional, and spatial information, amino acid conservation, physicochemical variation, residue mobility, and thermodynamic stability) performed at Invitae indicates that this missense variant is not expected to disrupt COL4A3 protein function. In summary, the available evidence is currently insufficient to determine the role of this variant in disease. Therefore, it has been classified as a Variant of Uncertain Significance.

Ambry Genetics
Classification: Uncertain significance for Inborn genetic diseases. Last evaluated: 2021-07-20. Review status: criteria provided, single submitter. Criteria: Ambry Variant Classification Scheme 2023. Collection method: clinical testing. Allele origin: germline.